The following is an entry in ClinVar:

NM_001371986.1(UNC80):c.3840C>T (p.Asp1280=)

Genes: UNC80 (unc-80 homolog, NALCN channel complex subunit; plus strand), LOC121725110 (Sharpr-MPRA regulatory region 8902; plus strand). Cytogenetic location: 2q34.
Variant type: single nucleotide variant.
Coding change: c.3840C>T on transcript NM_001371986.1 (MANE Select); coding-DNA position 3840, C replaced by T.
Protein change: p.Asp1280=; no amino-acid change (aspartic acid 1280 retained).
Molecular consequence: synonymous variant.
Genome position (GRCh38, 1-based): chr2:209,872,970, C>T. VCF-style: chr2-209872970-C-T. GRCh37 (hg19) VCF-style: chr2-210737694-C-T.
Other names: c.3846C>T, p.Asp1282= (NM_032504.2); c.3831C>T, p.Asp1277= (NM_182587.4).
Identifiers: ClinVar variation 1909184 (VCV001909184.2), dbSNP rs756589074, ClinGen allele CA65035373.

ClinVar aggregate classification (germline): Uncertain significance (1 of 4 stars; one submission).

Allele frequency attached by ClinVar (database versions not stated): TOPMed 0.00002; gnomAD 0.00003; gnomAD exomes 0.00004.
gnomAD v4.1: 53 of 1,551,292 alleles (0.0034%); highest among the groups gnomAD compares: Non-Finnish European, 0.0043%; no homozygotes.

Submission:

Labcorp Genetics (formerly Invitae), Labcorp
Classification: Uncertain significance. Last evaluated: 2022-07-18. Review status: criteria provided, single submitter. Criteria: Invitae Variant Classification Sherloc (09022015). Collection method: clinical testing. Allele origin: germline.
Comment: This sequence change affects codon 1282 of the UNC80 mRNA. It is a 'silent' change, meaning that it does not change the encoded amino acid sequence of the UNC80 protein. It affects a nucleotide within the consensus splice site. This variant is present in population databases (rs756589074, gnomAD 0.004%). This variant has not been reported in the literature in individuals affected with UNC80-related conditions. Algorithms developed to predict the effect of sequence changes on RNA splicing suggest that this variant is not likely to affect RNA splicing. In summary, the available evidence is currently insufficient to determine the role of this variant in disease. Therefore, it has been classified as a Variant of Uncertain Significance.